The following is an entry in ClinVar:

ClinVar aggregate classification (germline): Benign/Likely benign. Review status: criteria provided, multiple submitters, no conflicts (2 of 4 stars). 2 submissions from 2 submitters: Benign (1); Likely benign (1). Last evaluated 2026-08-19.

Conditions:
PPP1R12A-related disorder. Also called: PPP1R12A-related condition.

Allele frequency attached by ClinVar (database versions not stated): TOPMed 0.00031; gnomAD 0.00036; gnomAD exomes 0.00036; ExAC 0.00046; ESP Exome Variant Server 0.00051.
gnomAD v4.1: 591 of 1,613,064 alleles (0.037%); highest among the groups gnomAD compares: Non-Finnish European, 0.042%; 1 homozygote.

Submissions (2):

PreventionGenetics, part of Exact Sciences
Classification: Likely benign for PPP1R12A-related condition. Last evaluated: 2026-08-19. Review status: criteria provided, single submitter. Criteria: ACMG Guidelines, 2015. Collection method: clinical testing. Allele origin: germline.
Comment: This variant is classified as likely benign based on ACMG/AMP sequence variant interpretation guidelines (Richards et al. 2015 PMID: 25741868, with internal and published modifications).

Labcorp Genetics (formerly Invitae), Labcorp
Classification: Benign. Last evaluated: 2025-10-17. Review status: criteria provided, single submitter. Criteria: Invitae Variant Classification Sherloc (09022015). Collection method: clinical testing. Allele origin: germline.

NM_002480.3(PPP1R12A):c.1278A>C (p.Glu426Asp)

Gene: PPP1R12A (protein phosphatase 1 regulatory subunit 12A; minus strand). Cytogenetic location: 12q21.2.
Variant type: single nucleotide variant.
Coding change: c.1278A>C on transcript NM_002480.3 (MANE Select); coding-DNA position 1278, A replaced by C.
Protein change: p.Glu426Asp; replaces glutamic acid 426 with aspartic acid.
Molecular consequence: missense variant.
Genome position (GRCh38, 1-based): chr12:79,809,972, T>G on the plus strand (A>C on the coding strand, the complement: PPP1R12A is on the minus strand). VCF-style: chr12-79809972-T-G. GRCh37 (hg19) VCF-style: chr12-80203752-T-G.
Other names: c.1278A>C (NM_002480.2); c.1278A>C, p.Glu426Asp (NM_001143885.2, NM_001244990.2, NM_001244992.1); c.1017A>C, p.Glu339Asp (NM_001143886.2); short protein forms E339D, E426D.
Identifiers: ClinVar variation 2860670 (VCV002860670.4), dbSNP rs200571603, ClinGen allele CA6699707.